The following is an entry in ClinVar:

NM_005018.3(PDCD1):c.18G>A (p.Ala6=)

Gene: PDCD1 (programmed cell death 1; minus strand). Cytogenetic location: 2q37.3.
Variant type: single nucleotide variant.
Coding change: c.18G>A on transcript NM_005018.3 (MANE Select); coding-DNA position 18, G replaced by A.
Protein change: p.Ala6=; no amino-acid change (alanine 6 retained).
Molecular consequence: synonymous variant.
Genome position (GRCh38, 1-based): chr2:241,858,821, C>T on the plus strand (G>A on the coding strand, the complement: PDCD1 is on the minus strand). VCF-style: chr2-241858821-C-T. GRCh37 (hg19) VCF-style: chr2-242800973-C-T.
Identifiers: ClinVar variation 5041114 (VCV005041114.1).

ClinVar aggregate classification (germline): Likely benign (1 of 4 stars; one submission).

Submission:

CeGaT Center for Human Genetics Tuebingen
Classification: Likely benign. Last evaluated: 2026-09-01. Review status: criteria provided, single submitter. Criteria: CeGaT Center For Human Genetics Tuebingen Variant Classification Criteria Version 2. Collection method: clinical testing. Allele origin: germline. Affected: yes. Observed: 1 variant allele.
Comment: PDCD1: BP4, BP7